The following is an entry in ClinVar:

NM_000429.3(MAT1A):c.681C>G (p.Ile227Met)

Gene: MAT1A (methionine adenosyltransferase 1A; minus strand). Cytogenetic location: 10q22.3.
Variant type: single nucleotide variant.
Coding change: c.681C>G on transcript NM_000429.3 (MANE Select); coding-DNA position 681, C replaced by G.
Protein change: p.Ile227Met; replaces isoleucine 227 with methionine.
Molecular consequence: missense variant.
Genome position (GRCh38, 1-based): chr10:80,276,463, G>C on the plus strand (C>G on the coding strand, the complement: MAT1A is on the minus strand). VCF-style: chr10-80276463-G-C. GRCh37 (hg19) VCF-style: chr10-82036219-G-C.
Other names: short protein forms I227M.
Identifiers: ClinVar variation 1035026 (VCV001035026.9), dbSNP rs1841486729, ClinGen allele CA377361965.

ClinVar aggregate classification (germline): Uncertain significance (1 of 4 stars; one submission).

Conditions:
Hepatic methionine adenosyltransferase deficiency. Also called: Isolated Persistent Hypermethioninemia; MAT I/III DEFICIENCY; Deficiency of methionine adenosyltransferase; Methionine adenosyltransferase deficiency. Identifiers: Orphanet 168598, MedGen C0268621, MeSH C564683, MONDO:0009607, OMIM 250850.

Submission:

Labcorp Genetics (formerly Invitae), Labcorp
Classification: Uncertain significance for Hepatic methionine adenosyltransferase deficiency. Last evaluated: 2022-07-18. Review status: criteria provided, single submitter. Criteria: Invitae Variant Classification Sherloc (09022015). Collection method: clinical testing. Allele origin: germline.
Comment: This sequence change replaces isoleucine, which is neutral and non-polar, with methionine, which is neutral and non-polar, at codon 227 of the MAT1A protein (p.Ile227Met). In summary, the available evidence is currently insufficient to determine the role of this variant in disease. Therefore, it has been classified as a Variant of Uncertain Significance. Algorithms developed to predict the effect of missense changes on protein structure and function are either unavailable or do not agree on the potential impact of this missense change (SIFT: "Deleterious"; PolyPhen-2: "Possibly Damaging"; Align-GVGD: "Class C0"). ClinVar contains an entry for this variant (Variation ID: 1035026). This variant has not been reported in the literature in individuals affected with MAT1A-related conditions. This variant is not present in population databases (gnomAD no frequency).